The following is an entry in ClinVar:

NM_022041.4(GAN):c.*2332T>A

Gene: GAN (gigaxonin; plus strand). Cytogenetic location: 16q23.2.
Variant type: single nucleotide variant.
Coding change: c.*2332T>A on transcript NM_022041.4 (MANE Select); 2332 bases downstream of the stop codon, T replaced by A.
Molecular consequence: 3 prime UTR variant.
Genome position (GRCh38, 1-based): chr16:81,379,928, T>A. VCF-style: chr16-81379928-T-A. GRCh37 (hg19) VCF-style: chr16-81413533-T-A.
Other names: c.*2332T>A (NM_001377486.1).
Identifiers: ClinVar variation 887247 (VCV000887247.4), dbSNP rs191866467, ClinGen allele CA285129950.

ClinVar aggregate classification (germline): Likely benign (1 of 4 stars; one submission).

Conditions:
Giant axonal neuropathy 1 (GAN1). Also called: GAN-Related Neurodegeneration; GIANT AXONAL NEUROPATHY 1, AUTOSOMAL RECESSIVE. Identifiers: Orphanet 643, MedGen C1850386, MONDO:0009749, OMIM 256850.

Allele frequency attached by ClinVar (database versions not stated): 1000 Genomes Project 30x 0.00109; gnomAD 0.00141 and 0.00154; TOPMed 0.00171; 1000 Genomes Project 0.00180.

Submission:

Illumina Laboratory Services, Illumina
Classification: Likely benign for Giant axonal neuropathy 1. Last evaluated: 2018-01-12. Review status: criteria provided, single submitter. Criteria: ICSL Variant Classification Criteria 13 December 2019. Collection method: clinical testing. Allele origin: germline.
Comment: This variant was observed in the ICSL laboratory as part of a predisposition screen in an ostensibly healthy population. It had not been previously curated by ICSL or reported in the Human Gene Mutation Database (HGMD: prior to June 1st, 2018), and was therefore a candidate for classification through an automated scoring system. Utilizing variant allele frequency, disease prevalence and penetrance estimates, and inheritance mode, an automated score was calculated to assess if this variant is too frequent to cause the disease. Based on the score and internal cut-off values, a variant classified as likely benign is not then subjected to further curation. The score for this variant resulted in a classification of likely benign for this disease.